The following is an entry in ClinVar:

ClinVar aggregate classification (germline): Likely pathogenic (1 of 4 stars; one submission).

Conditions:
X-linked Alport syndrome (ATS1). Also called: NEPHROPATHY AND DEAFNESS, X-LINKED; COL4A5-Related Nephropathy. Identifiers: Orphanet 63, Orphanet 88917, MedGen C4746986, MONDO:0010520, OMIM 301050.

Submission:

Institute of Human Genetics, University of Goettingen
Classification: Likely pathogenic for X-linked Alport syndrome. Last evaluated: 2025-09-16. Review status: criteria provided, single submitter. Criteria: ACMG Guidelines, 2015. Collection method: clinical testing. Allele origin: germline. Inheritance: X-linked inheritance. Affected: yes. Observed: 1 hemizygote.
Comment: The COL4A5 variant p.Gly1095Val is classified as likely pathogenic. It is absent from population databases, affects a known mutational hotspot in the collagenous Gly-X-Y domain, and a different substitution at the same residue (p.Gly1095Asp) has been reported in Alport syndrome. In silico prediction supports a damaging effect (REVEL 0.985). The finding is consistent with the patient’s clinical phenotype. Applied ACMG criteria: PM1_sup, PM2_sup, PM5_sup, PP3_str

NM_033380.3(COL4A5):c.3284G>T (p.Gly1095Val)

Gene: COL4A5 (collagen type IV alpha 5 chain; plus strand). Cytogenetic location: Xq22.3.
Variant type: single nucleotide variant.
Coding change: c.3284G>T on transcript NM_033380.3 (MANE Select); coding-DNA position 3284, G replaced by T.
Protein change: p.Gly1095Val; replaces glycine 1095 with valine.
Molecular consequence: missense variant.
Genome position (GRCh38, 1-based): chrX:108,655,368, G>T. VCF-style: chrX-108655368-G-T. GRCh37 (hg19) VCF-style: chrX-107898598-G-T.
Other names: c.3284G>T, p.Gly1095Val (NM_000495.5); short protein forms G1095V.
Identifiers: ClinVar variation 4280671 (VCV004280671.1).